The following is an entry in ClinVar:

ClinVar aggregate classification (germline): Uncertain significance (1 of 4 stars; one submission).

Conditions:
Chuvash polycythemia. Also called: POLYCYTHEMIA, VHL-DEPENDENT. Identifiers: Orphanet 238557, MedGen C1837915, MONDO:0009892, OMIM 263400.
Von Hippel-Lindau syndrome (VHLS). Also called: von Hippel–Lindau syndrome; VHL syndrome; Von Hippel-Lindau. Identifiers: Orphanet 892, MedGen C0019562, MONDO:0008667, OMIM 193300. Disease mechanism: loss of function.

Submission:

Labcorp Genetics (formerly Invitae), Labcorp
Classification: Uncertain significance for Von Hippel-Lindau syndrome; Chuvash polycythemia. Last evaluated: 2022-02-09. Review status: criteria provided, single submitter. Criteria: Invitae Variant Classification Sherloc (09022015). Collection method: clinical testing. Allele origin: germline.
Comment: Algorithms developed to predict the effect of missense changes on protein structure and function (SIFT, PolyPhen-2, Align-GVGD) all suggest that this variant is likely to be tolerated. This sequence change replaces histidine, which is basic and polar, with asparagine, which is neutral and polar, at codon 110 of the VHL protein (p.His110Asn). This variant is not present in population databases (gnomAD no frequency). This variant has not been reported in the literature in individuals affected with VHL-related conditions. In summary, the available evidence is currently insufficient to determine the role of this variant in disease. Therefore, it has been classified as a Variant of Uncertain Significance.

NM_000551.4(VHL):c.328C>A (p.His110Asn)

Gene: VHL (von Hippel-Lindau tumor suppressor; plus strand). Cytogenetic location: 3p25.3.
Variant type: single nucleotide variant.
Coding change: c.328C>A on transcript NM_000551.4 (MANE Select); coding-DNA position 328, C replaced by A.
Protein change: p.His110Asn; replaces histidine 110 with asparagine.
Molecular consequence: missense variant.
Genome position (GRCh38, 1-based): chr3:10,142,175, C>A. VCF-style: chr3-10142175-C-A. GRCh37 (hg19) VCF-style: chr3-10183859-C-A.
Other names: c.328C>A, p.His110Asn (NM_001354723.2, NM_198156.3); short protein forms H110N.
Identifiers: ClinVar variation 2091677 (VCV002091677.4), dbSNP rs17855706, ClinGen allele CA351751295.